The following is an entry in ClinVar:

ClinVar aggregate classification (germline): Uncertain significance. Review status: criteria provided, multiple submitters, no conflicts (2 of 4 stars). 2 submissions from 2 submitters: Uncertain significance (2). Last evaluated 2024-05-01.

Conditions:
Spastic paraplegia. Identifiers: MedGen C0037772, HP:0001258.

Allele frequency attached by ClinVar (database versions not stated): gnomAD exomes below 0.00001; gnomAD 0.00001.
gnomAD v4.1: 6 of 1,614,106 alleles (0.00037%); highest among the groups gnomAD compares: East Asian, 0.0022%; no homozygotes.

Submissions (2):

Labcorp Genetics (formerly Invitae), Labcorp
Classification: Uncertain significance for Spastic paraplegia. Last evaluated: 2024-05-01. Review status: criteria provided, single submitter. Criteria: Invitae Variant Classification Sherloc (09022015). Collection method: clinical testing. Allele origin: germline.
Comment: This sequence change replaces tyrosine, which is neutral and polar, with cysteine, which is neutral and slightly polar, at codon 661 of the KIF5A protein (p.Tyr661Cys). This variant is not present in population databases (gnomAD no frequency). This variant has not been reported in the literature in individuals affected with KIF5A-related conditions. ClinVar contains an entry for this variant (Variation ID: 1899283). Advanced modeling of protein sequence and biophysical properties (such as structural, functional, and spatial information, amino acid conservation, physicochemical variation, residue mobility, and thermodynamic stability) has been performed at Invitae for this missense variant, however the output from this modeling did not meet the statistical confidence thresholds required to predict the impact of this variant on KIF5A protein function. In summary, the available evidence is currently insufficient to determine the role of this variant in disease. Therefore, it has been classified as a Variant of Uncertain Significance.

Blueprint Genetics
Classification: Uncertain significance. Last evaluated: 2023-08-07. Review status: criteria provided, single submitter. Criteria: ACMG Guidelines, 2015. Collection method: clinical testing. Allele origin: germline.

NM_004984.4(KIF5A):c.1982A>G (p.Tyr661Cys)

Gene: KIF5A (kinesin family member 5A; plus strand). Cytogenetic location: 12q13.3.
Variant type: single nucleotide variant.
Coding change: c.1982A>G on transcript NM_004984.4 (MANE Select); coding-DNA position 1982, A replaced by G.
Protein change: p.Tyr661Cys; replaces tyrosine 661 with cysteine.
Molecular consequence: missense variant.
Genome position (GRCh38, 1-based): chr12:57,575,716, A>G. VCF-style: chr12-57575716-A-G. GRCh37 (hg19) VCF-style: chr12-57969499-A-G.
Other names: c.1715A>G, p.Tyr572Cys (NM_001354705.2); short protein forms Y572C, Y661C.
Identifiers: ClinVar variation 1899283 (VCV001899283.6), dbSNP rs1477671960, ClinGen allele CA385510630.